The following is an entry in ClinVar:

ClinVar aggregate classification (germline): Likely benign (1 of 4 stars; one submission).

Allele frequency attached by ClinVar (database versions not stated): gnomAD exomes below 0.00001; TOPMed 0.00002.
gnomAD v4.1: 1 of 1,613,552 alleles (0.000062%); highest among the groups gnomAD compares: African/African-American, 0.0013%; no homozygotes.

Submission:

GeneDx
Classification: Likely benign. Last evaluated: 2018-04-10. Review status: criteria provided, single submitter. Criteria: GeneDx Variant Classification (06012015). Collection method: clinical testing. Allele origin: germline. Affected: yes.
Comment: This variant is considered likely benign or benign based on one or more of the following criteria: it is a conservative change, it occurs at a poorly conserved position in the protein, it is predicted to be benign by multiple in silico algorithms, and/or has population frequency not consistent with disease.

NM_004870.4(MPDU1):c.388+16C>G

Gene: MPDU1 (mannose-P-dolichol utilization defect 1; plus strand). Cytogenetic location: 17p13.1.
Variant type: single nucleotide variant.
Coding change: c.388+16C>G on transcript NM_004870.4 (MANE Select); 16 bases into the intron after coding-DNA position 388, C replaced by G.
Molecular consequence: intron variant. On other transcripts: missense variant (1).
Genome position (GRCh38, 1-based): chr17:7,586,793, C>G. VCF-style: chr17-7586793-C-G. GRCh37 (hg19) VCF-style: chr17-7490111-C-G.
Other names: c.404C>G, p.Pro135Arg (NM_001330073.1); short protein forms P135R.
Identifiers: ClinVar variation 681461 (VCV000681461.1), dbSNP rs1042913255, ClinGen allele CA287470752.